The following is an entry in ClinVar:

NM_000179.3(MSH6):c.628-15T>C

Gene: MSH6 (mutS homolog 6; plus strand). Cytogenetic location: 2p16.3.
Variant type: single nucleotide variant.
Coding change: c.628-15T>C on transcript NM_000179.3 (MANE Select); 15 bases into the intron before coding-DNA position 628, T replaced by C.
Molecular consequence: intron variant.
Genome position (GRCh38, 1-based): chr2:47,798,596, T>C. VCF-style: chr2-47798596-T-C. GRCh37 (hg19) VCF-style: chr2-48025735-T-C.
Other names: c.-279-15T>C (NM_001281493.2); c.238-15T>C (NM_001281492.2); c.-275-19T>C (NM_001281494.2).
Identifiers: ClinVar variation 1049695 (VCV001049695.10), dbSNP rs2104286570, ClinGen allele CA2499216093.

ClinVar aggregate classification (germline): Likely benign. Review status: criteria provided, multiple submitters, no conflicts (2 of 4 stars). 3 submissions from 3 submitters: Likely benign (2). 1 of the submissions does not count toward it. Last evaluated 2025-06-29.

Conditions:
Lynch syndrome 5 (LYNCH5). Also called: Hereditary non-polyposis colorectal cancer, type 5; Colorectal cancer, hereditary nonpolyposis, type 5. Identifiers: Orphanet 144, MedGen C1833477, MONDO:0013710, OMIM 614350. Disease mechanism: loss of function.
Hereditary nonpolyposis colorectal neoplasms. Identifiers: MedGen C0009405, MeSH D003123.

Allele frequency attached by ClinVar (database versions not stated): gnomAD exomes below 0.00001.
gnomAD v4.1: 2 of 1,607,000 alleles (0.00012%); highest among the groups gnomAD compares: Non-Finnish European, 0.00017%; no homozygotes.

Submissions (3):

Labcorp Genetics (formerly Invitae), Labcorp
Classification: Likely benign for Hereditary nonpolyposis colorectal neoplasms. Last evaluated: 2025-06-29. Review status: criteria provided, single submitter. Criteria: Invitae Variant Classification Sherloc (09022015). Collection method: clinical testing. Allele origin: germline.

Myriad Genetics, Inc.
Classification: Likely benign for Lynch syndrome 5. Last evaluated: 2024-12-19. Review status: criteria provided, single submitter. Criteria: Myriad Autosomal Dominant, Autosomal Recessive and X-Linked Classification Criteria (2023). Collection method: clinical testing. Allele origin: unknown.
Comment: This variant is considered likely benign. This variant is intronic and is not expected to impact mRNA splicing.

Department of Pathology and Laboratory Medicine, Sinai Health System
Classification: Likely benign. Review status: no assertion criteria provided. Collection method: clinical testing. Allele origin: unknown. Affected: yes. Observed: 2 variant alleles. Study: The Canadian Open Genetics Repository (COGR). Not counted in ClinVar's aggregate classification.
Comment: The MSH6 c.628-15T>C variant was not identified in the literature nor was it identified in the dbSNP, ClinVar, COGR, Cosmic, MutDB, UMD-LSDB, Insight Colon Cancer Gene Variant Database, Zhejiang University Database, Mismatch Repair Genes Variant Database, or Insight Hereditary Tumors Database. The variant was not identified in the following control databases: the 1000 Genomes Project, the NHLBI GO Exome Sequencing Project, the Exome Aggregation Consortium (August 8th 2016), or the Genome Aggregation Database (Feb 27, 2017). The c.628-15T>C variant is located in the 3' splice region but does not affect the invariant -1 and -2 positions, and in silico or computational prediction software programs (SpliceSiteFinder, MaxEntScan, NNSPLICE, GeneSplicer, HumanSpliceFinder) do not predict a difference in splicing. In addition the nucleotide is considered to be weakly conserved across species (PhyloP score -0.68). In summary, based on the above information the clinical significance of this variant cannot be determined with certainty at this time although we would lean towards a more benign role for this variant. This variant is classified as likely benign.